The following is an entry in ClinVar:

NM_138773.4(SLC25A46):c.620+1G>C

Gene: SLC25A46 (solute carrier family 25 member 46; plus strand). Cytogenetic location: 5q22.1.
Variant type: single nucleotide variant.
Coding change: c.620+1G>C on transcript NM_138773.4 (MANE Select); the canonical splice donor site of the intron after coding-DNA position 620, G replaced by C.
Molecular consequence: splice donor variant.
Genome position (GRCh38, 1-based): chr5:110,755,522, G>C. VCF-style: chr5-110755522-G-C. GRCh37 (hg19) VCF-style: chr5-110091222-G-C.
Other names: c.347+1G>C (NM_001303250.3); c.620+1G>C (NM_001303249.3).
Identifiers: ClinVar variation 4738541 (VCV004738541.2).

ClinVar aggregate classification (germline): Likely pathogenic. Review status: criteria provided, multiple submitters, no conflicts (2 of 4 stars). 2 submissions from 2 submitters: Likely pathogenic (2). Last evaluated 2025-06-25.

Conditions:
Neuropathy, hereditary motor and sensory, type 6B (HMSN6B). Also called: HMSN VIB; CHARCOT-MARIE-TOOTH DISEASE, TYPE 6B; NEUROPATHY, HEREDITARY MOTOR AND SENSORY, TYPE VIB, WITH OPTIC ATROPHY; Neuropathy, hereditary motor and sensory, type VIB. Identifiers: MedGen C4225302, MONDO:0014671, OMIM 616505.
SLC25A46-related disorder. Also called: SLC25A46-related condition.

gnomAD v4.1: 3 of 1,566,978 alleles (0.00019%); highest among the groups gnomAD compares: Non-Finnish European, 0.00026%; no homozygotes.

Submissions (2):

Labcorp Genetics (formerly Invitae), Labcorp
Classification: Likely pathogenic for Neuropathy, hereditary motor and sensory, type 6B. Last evaluated: 2025-06-25. Review status: criteria provided, single submitter. Criteria: Invitae Variant Classification Sherloc (09022015). Collection method: clinical testing. Allele origin: germline.
Comment: This sequence change affects a donor splice site in intron 6 of the SLC25A46 gene. It is expected to disrupt RNA splicing. Variants that disrupt the donor or acceptor splice site typically lead to a loss of protein function (PMID: 16199547), and loss-of-function variants in SLC25A46 are known to be pathogenic (PMID: 26168012, 26951855, 27543974). This variant is not present in population databases (gnomAD no frequency). This variant has not been reported in the literature in individuals affected with SLC25A46-related conditions. Algorithms developed to predict the effect of sequence changes on RNA splicing suggest that this variant may disrupt the consensus splice site. In summary, the currently available evidence indicates that the variant is pathogenic, but additional data are needed to prove that conclusively. Therefore, this variant has been classified as Likely Pathogenic.

Blueprint Genetics
Classification: Likely pathogenic for SLC25A46-related disorders. Last evaluated: 2023-09-19. Review status: criteria provided, single submitter. Criteria: ACMG Guidelines, 2015. Collection method: clinical testing. Allele origin: germline. Affected: yes. Observed: 3 variant alleles.

Literature cited by the submitters: PubMed 16199547 (cited by Labcorp Genetics (formerly Invitae), Labcorp); PubMed 26168012 (cited by Labcorp Genetics (formerly Invitae), Labcorp); PubMed 26951855 (cited by Labcorp Genetics (formerly Invitae), Labcorp); PubMed 27543974 (cited by Labcorp Genetics (formerly Invitae), Labcorp).